The following is an entry in ClinVar:

ClinVar aggregate classification (germline): Pathogenic (1 of 4 stars; one submission).

Conditions:
Neuronal ceroid lipofuscinosis. Also called: Neuronal Ceroid Lipofuscinoses. Identifiers: Orphanet 216, Orphanet 79263, MedGen C0027877, MONDO:0016295. Disease mechanism: loss of function.

Submission:

Labcorp Genetics (formerly Invitae), Labcorp
Classification: Pathogenic for Neuronal ceroid lipofuscinosis. Last evaluated: 2022-06-25. Review status: criteria provided, single submitter. Criteria: Invitae Variant Classification Sherloc (09022015). Collection method: clinical testing. Allele origin: germline.
Comment: This variant is a gross deletion of the genomic region encompassing exon(s) 1 of the CLN6 gene, which includes the initiator codon. This deletion extends beyond the assayed region for this gene and therefore may encompass additional genes. It is expected to result in an absent or disrupted protein product. Loss-of-function variants in CLN6 are known to be pathogenic (PMID: 19135028). A similar copy number variant has been observed in individual(s) with neuronal ceroid lipofuscinosis (PMID: 26115733). For these reasons, this variant has been classified as Pathogenic.

Literature cited by the submitters: PubMed 19135028; PubMed 26115733.

NC_000015.10:g.(?_68229492)_(68229594_?)del

Gene: CLN6 (CLN6 transmembrane ER protein; minus strand). Cytogenetic location: 15q23.
Variant type: Deletion.
Identifiers: ClinVar variation 665626 (VCV000665626.6).